The following is an entry in ClinVar:

NM_001148.6(ANK2):c.3725C>T (p.Ala1242Val)

Gene: ANK2 (ankyrin 2; plus strand). Cytogenetic location: 4q26.
Variant type: single nucleotide variant.
Coding change: c.3725C>T on transcript NM_001148.6 (MANE Select); coding-DNA position 3725, C replaced by T.
Protein change: p.Ala1242Val; replaces alanine 1242 with valine.
Molecular consequence: missense variant.
Genome position (GRCh38, 1-based): chr4:113,336,710, C>T. VCF-style: chr4-113336710-C-T. GRCh37 (hg19) VCF-style: chr4-114257866-C-T.
Other names: c.3563C>T, p.Ala1188Val (NM_001354245.2, NM_001354262.2, NM_001354275.2); c.3722C>T, p.Ala1241Val (NM_001354246.2, NM_001354265.2, NM_001354235.2); c.3539C>T, p.Ala1180Val (NM_001354249.2, NM_001354266.2, NM_001354267.2 and 6 more transcripts); c.3695C>T, p.Ala1232Val (NM_001354252.2, NM_001354239.2); c.3500C>T, p.Ala1167Val (NM_001354253.2, NM_001354270.2); c.3674C>T, p.Ala1225Val (NM_001354254.2); c.3662C>T, p.Ala1221Val (NM_001354255.2, NM_001386143.1, NM_001354243.2); c.3659C>T, p.Ala1220Val (NM_001354256.2, NM_001386161.1, NM_001354244.2); and 31 more; short protein forms A1081V, A1114V, A1142V, A1147V, A1155V, A1167V, A1171V, A1175V.
Identifiers: ClinVar variation 4077349 (VCV004077349.1).

ClinVar aggregate classification (germline): Uncertain significance (1 of 4 stars; one submission).

Submission:

GeneDx
Classification: Uncertain significance. Last evaluated: 2025-02-28. Review status: criteria provided, single submitter. Criteria: GeneDx Variant Classification Process June 2021. Collection method: clinical testing. Allele origin: germline. Affected: yes.
Comment: Not observed at significant frequency in large population cohorts (gnomAD); In silico analysis indicates that this missense variant does not alter protein structure/function; Has not been previously published as pathogenic or benign to our knowledge